The following is an entry in ClinVar:

NM_006087.4(TUBB4A):c.1228G>A (p.Glu410Lys)

Gene: TUBB4A (tubulin beta 4A class IVa; minus strand). Cytogenetic location: 19p13.3.
Variant type: single nucleotide variant.
Coding change: c.1228G>A on transcript NM_006087.4 (MANE Select); coding-DNA position 1228, G replaced by A.
Protein change: p.Glu410Lys; replaces glutamic acid 410 with lysine.
Molecular consequence: missense variant.
Genome position (GRCh38, 1-based): chr19:6,495,271, C>T on the plus strand (G>A on the coding strand, the complement: TUBB4A is on the minus strand). VCF-style: chr19-6495271-C-T. GRCh37 (hg19) VCF-style: chr19-6495282-C-T.
Other names: c.1381G>A, p.Glu461Lys (NM_001289123.2); c.1363G>A, p.Glu455Lys (NM_001289127.2); c.1228G>A, p.Glu410Lys (NM_001289129.2); c.1012G>A, p.Glu338Lys (NM_001289130.2, NM_001289131.2); short protein forms E410K, E461K, E338K, E455K.
Identifiers: ClinVar variation 135658 (VCV000135658.85), dbSNP rs587777428, ClinGen allele CA163113.
Genomic context (GRCh38, chr19:6,495,271, plus strand): 5'-CCGTGGCGTCCTGGTACTGCTGGTACTCAGATACCAGGTCATTCATGTTGCTCTCGGCCT[C>T]GGTGAACTCCATCTCGTCCATGCCCTCGCCCGTGTACCAGTGCAAGAAGGCCTTGCGCCG-3'
Protein context (NP_006078.2, residues 400-420): GEGMDEMEFT[Glu410Lys]AESNMNDLVS

ClinVar aggregate classification (germline): Pathogenic/Likely pathogenic. Review status: criteria provided, multiple submitters, no conflicts (2 of 4 stars). 13 submissions from 13 submitters: Pathogenic (7); Likely pathogenic (3). 3 of the submissions do not count toward it. Last evaluated 2024-10-16.

Conditions:
Leukodystrophy, hypomyelinating, 6. Also called: Hypomyelination with Atrophy of Basal Ganglia and Cerebellum (H-ABC); TUBB4A-Associated Leukodystrophy; LEUKODYSTROPHY, HYPOMYELINATING, WITH ATROPHY OF THE BASAL GANGLIA AND CEREBELLUM. Identifiers: Orphanet 139441, MedGen C2676244, MONDO:0012905, OMIM 612438.
Torsion dystonia 4. Also called: DYT-TUBB4A (Autosomal Dominant Torsion Dystonia); DYSTONIA MUSCULORUM DEFORMANS 4. Identifiers: Orphanet 98805, MedGen C1851943, MONDO:0007493, OMIM 128101.
Global developmental delay (DD). Also called: Cognitive delay. Identifiers: MedGen C0557874, HP:0001263. Disease mechanism: loss of function.
Cerebral palsy. Identifiers: MedGen C0007789, MONDO:0006497, HP:0100021.

Allele frequency attached by ClinVar (database versions not stated): gnomAD exomes below 0.00001.
gnomAD v4.1: 1 of 1,613,822 alleles (0.000062%); highest among the groups gnomAD compares: Non-Finnish European, 0.000085%; no homozygotes.

Submissions (13):

3billion
Classification: Pathogenic for Leukodystrophy, hypomyelinating, 6. Last evaluated: 2024-10-16. Review status: criteria provided, single submitter. Criteria: ACMG Guidelines, 2015. Collection method: clinical testing. Allele origin: germline. Affected: yes.
Comment: The variant is observed at an extremely low frequency in the gnomAD v4.1.0 dataset (total allele frequency: <0.001%). Predicted Consequence/Location: Missense variant. Missense changes are a common disease-causing mechanism. In silico tool predictions suggest damaging effect of the variant on gene or gene product [REVEL: 0.95 (>=0.6, sensitivity 0.68 and specificity 0.92); 3Cnet: 0.98 (>=0.6, sensitivity 0.72 and precision 0.9)]. The same nucleotide change resulting in the same amino acid change has been previously reported as pathogenic/likely pathogenic with strong evidence (ClinVar ID: VCV000135658 /PMID: 24526230 /3billion dataset). The variant has been previously reported as assumed (i.e. paternity and maternity not confirmed) de novo in at least one similarly affected unrelated individual (PMID: 8851904 /3billion dataset). Therefore, this variant is classified as Pathogenic according to the recommendation of ACMG/AMP guideline.

Labcorp Genetics (formerly Invitae), Labcorp
Classification: Pathogenic for Leukodystrophy, hypomyelinating, 6. Last evaluated: 2024-09-06. Review status: criteria provided, single submitter. Criteria: Invitae Variant Classification Sherloc (09022015). Collection method: clinical testing. Allele origin: germline.
Comment: This sequence change replaces glutamic acid, which is acidic and polar, with lysine, which is basic and polar, at codon 410 of the TUBB4A protein (p.Glu410Lys). This variant is not present in population databases (gnomAD no frequency). This missense change has been observed in individual(s) with clinical features of hypomyelinating leukodystrophy (PMID: 24526230, 24850488). In at least one individual the variant was observed to be de novo. ClinVar contains an entry for this variant (Variation ID: 135658). Invitae Evidence Modeling of protein sequence and biophysical properties (such as structural, functional, and spatial information, amino acid conservation, physicochemical variation, residue mobility, and thermodynamic stability) indicates that this missense variant is expected to disrupt TUBB4A protein function with a positive predictive value of 80%. Experimental studies have shown that this missense change affects TUBB4A function (PMID: 28275661). For these reasons, this variant has been classified as Pathogenic.

GeneDx
Classification: Pathogenic. Last evaluated: 2022-07-29. Review status: criteria provided, single submitter. Criteria: GeneDx Variant Classification Process June 2021. Collection method: clinical testing. Allele origin: germline. Affected: yes.
Comment: Published functional studies demonstrate disturbed binding of TUBB4A to KIF1A resulting in impaired synaptic vesicle precursors (Xiao et al., 2022); Not observed in large population cohorts (gnomAD); In silico analysis, which includes protein predictors and evolutionary conservation, supports that this variant does not alter protein structure/function; This variant is associated with the following publications: (PMID: 34758253, 18851904, 24850488, 24526230, 35668344, 34514881, 34531397, 33098801)

Human Genetics Bochum, Ruhr University Bochum
Classification: Likely pathogenic for Global developmental delay. Last evaluated: 2022-04-21. Review status: criteria provided, single submitter. Criteria: ACMG Guidelines, 2015. Collection method: clinical testing. Allele origin: germline. Affected: yes.
Comment: ACMG criteria used to clasify this variant: PS4_MOD, PM6, PM2_SUP, PP3

Fulgent Genetics
Classification: Likely pathogenic for Torsion dystonia 4; Leukodystrophy, hypomyelinating, 6. Last evaluated: 2021-12-21. Review status: criteria provided, single submitter. Criteria: ACMG Guidelines, 2015. Collection method: clinical testing. Allele origin: unknown.

Neurogenetics Research Program, University of Adelaide
Classification: Pathogenic for Cerebral palsy. Last evaluated: 2021-06-10. Review status: criteria provided, single submitter. Criteria: ACMG Guidelines, 2015. Collection method: research. Allele origin: de novo. Affected: yes. Observed: 1 variant allele.
Comment: Previously reported pathogenic variant (PMID: 24526230).

Undiagnosed Diseases Network, NIH
Classification: Pathogenic for Leukodystrophy, hypomyelinating, 6. Last evaluated: 2020-02-03. Review status: criteria provided, single submitter. Criteria: ACMG Guidelines, 2015. Collection method: clinical testing. Allele origin: unknown. Inheritance: Autosomal dominant inheritance. Affected: yes. Observed: 1 variant allele, 1 heterozygote. Study: Undiagnosed Diseases Network (NIH), UDN.

Institute of Human Genetics Munich, TUM University Hospital
Classification: Pathogenic for Leukodystrophy, hypomyelinating, 6. Last evaluated: 2017-12-07. Review status: criteria provided, single submitter. Criteria: Classification criteria August 2017. Collection method: clinical testing. Allele origin: germline, de novo. Inheritance: Autosomal dominant inheritance. Affected: yes. Observed: 2 heterozygotes.

Kasturba Medical College, Manipal, Kasturba Medical College, Manipal, Manipal Academy of Higher Education, Manipal, India
Classification: Likely pathogenic for Leukodystrophy, hypomyelinating, 6. Review status: criteria provided, single submitter. Criteria: ACMG Guidelines, 2015. Collection method: clinical testing. Allele origin: de novo. Inheritance: Autosomal dominant inheritance. Affected: yes.

Lifecell International Pvt. Ltd
Classification: Pathogenic for Leukodystrophy, hypomyelinating, 6. Review status: criteria provided, single submitter. Criteria: ACMG Guidelines, 2015. Collection method: clinical testing. Allele origin: germline. Inheritance: Autosomal dominant inheritance. Affected: yes. Observed: 1 compound heterozygote.
Comment: A Heterozygous Missense variant c.1228G>A in Exon 4 of the TUBB4A gene that results in the amino acid substitution p.Glu410Lys was identified. The observed variant has a minor allele frequency of 0% in gnomAD exomes and genomes, respectively. The severity of the impact of this variant on the protein is medium, based on the effect of the protein and REVEL score. Rare Exome Variant Ensemble Learner (REVEL) is an ensembl method for predicting the pathogenicity of missense variants based on a combination of scores from 13 individual tools: MutPred, FATHMM v2.3, VEST 3.0, PolyPhen-2, SIFT, PROVEAN, MutationAssessor, MutationTaster, LRT, GERP++, SiPhy, phyloP, and phastCons. The REVEL score for an individual missense variant can range from 0 to 1, with higher scores reflecting greater likelihood that the variant is disease-causing. This variant lies in the C-terminal domain of the protein. ClinVar has also classified this variant as Pathogenic/Likely Pathogenic (variant ID: 135658). This variant has previously been reported in patients for hypomyelinating leukoencephalopathies by Miyatake S, et, al., 2014. The E410K mutation, can cause a disruption in the cationic binding site and subsequently misassembled microtubules (Blumkin L, et, al., 2014). Based on the above evidence this variant has been classified as Pathogenic according to the ACMG guidelines.

OMIM
Classification: Pathogenic for LEUKODYSTROPHY, HYPOMYELINATING, 6. Last evaluated: 2014-05-21. Review status: no assertion criteria provided. Collection method: literature only. Allele origin: germline. Not counted in ClinVar's aggregate classification.

GeneReviews
No classification provided. Condition: Leukodystrophy, hypomyelinating, 6. Review status: no classification provided. Collection method: literature only. Allele origin: germline. Not counted in ClinVar's aggregate classification.

Genomics England Pilot Project, Genomics England
Classification: Likely pathogenic for Torsion dystonia 4. Review status: no assertion criteria provided. Criteria: ACGS Guidelines, 2016. Collection method: clinical testing. Allele origin: germline. Affected: yes. Not counted in ClinVar's aggregate classification.

Literature cited by the submitters: PubMed 24526230 (cited by 4 submitters); PubMed 8851904 (cited by 3billion); PubMed 24850488 (cited by 4 submitters); PubMed 28275661 (cited by Labcorp Genetics (formerly Invitae), Labcorp); PubMed 18851904 (cited by OMIM); NCBI Bookshelf NBK395611 (cited by GeneReviews).